The following is an entry in ClinVar:

NM_000064.4(C3):c.2923G>A (p.Glu975Lys)

Gene: C3 (complement C3; minus strand). Cytogenetic location: 19p13.3.
Variant type: single nucleotide variant.
Coding change: c.2923G>A on transcript NM_000064.4 (MANE Select); coding-DNA position 2923, G replaced by A.
Protein change: p.Glu975Lys; replaces glutamic acid 975 with lysine.
Molecular consequence: missense variant.
Genome position (GRCh38, 1-based): chr19:6,696,406, C>T on the plus strand (G>A on the coding strand, the complement: C3 is on the minus strand). VCF-style: chr19-6696406-C-T. GRCh37 (hg19) VCF-style: chr19-6696417-C-T.
Other names: short protein forms E975K.
Identifiers: ClinVar variation 2867377 (VCV002867377.3), dbSNP rs1297252966, ClinGen allele CA403631261.

ClinVar aggregate classification (germline): Uncertain significance (1 of 4 stars; one submission).

Allele frequency attached by ClinVar (database versions not stated): gnomAD exomes below 0.00001; gnomAD 0.00001.
gnomAD v4.1: 7 of 1,613,188 alleles (0.00043%); highest among the groups gnomAD compares: East Asian, 0.0022%; no homozygotes.

Submission:

Labcorp Genetics (formerly Invitae), Labcorp
Classification: Uncertain significance. Last evaluated: 2022-11-01. Review status: criteria provided, single submitter. Criteria: Invitae Variant Classification Sherloc (09022015). Collection method: clinical testing. Allele origin: germline.
Comment: In summary, the available evidence is currently insufficient to determine the role of this variant in disease. Therefore, it has been classified as a Variant of Uncertain Significance. Advanced modeling of protein sequence and biophysical properties (such as structural, functional, and spatial information, amino acid conservation, physicochemical variation, residue mobility, and thermodynamic stability) performed at Invitae indicates that this missense variant is not expected to disrupt C3 protein function. This variant has not been reported in the literature in individuals affected with C3-related conditions. This variant is present in population databases (no rsID available, gnomAD 0.06%). This sequence change replaces glutamic acid, which is acidic and polar, with lysine, which is basic and polar, at codon 975 of the C3 protein (p.Glu975Lys).